The following is an entry in ClinVar:

ClinVar aggregate classification (germline): Pathogenic (1 of 4 stars; one submission).

Allele frequency attached by ClinVar (database versions not stated): gnomAD exomes below 0.00001; ExAC 0.00001.

Submission:

Labcorp Genetics (formerly Invitae), Labcorp
Classification: Pathogenic. Last evaluated: 2022-04-15. Review status: criteria provided, single submitter. Criteria: Invitae Variant Classification Sherloc (09022015). Collection method: clinical testing. Allele origin: germline.
Comment: For these reasons, this variant has been classified as Pathogenic. This sequence change creates a premature translational stop signal (p.Glu3Glyfs*18) in the HJV gene. It is expected to result in an absent or disrupted protein product. Loss-of-function variants in HJV are known to be pathogenic (PMID: 20301349, 22408404). This variant is present in population databases (rs782025333, gnomAD 0.003%). This variant has not been reported in the literature in individuals affected with HJV-related conditions.

Literature cited by the submitters: PubMed 20301349; PubMed 22408404.

NM_213653.4(HJV):c.8del (p.Glu3fs)

Gene: HJV (hemojuvelin BMP co-receptor; minus strand). Cytogenetic location: 1q21.1.
Variant type: Deletion.
Coding change: c.8del on transcript NM_213653.4 (MANE Select); coding-DNA position 8, one base deleted (A; older notation c.8delA).
Protein change: p.Glu3fs; shifts the reading frame from glutamic acid 3.
Molecular consequence: frameshift variant. On other transcripts: 5 prime UTR variant (1), intron variant (3).
Genome position (GRCh38, 1-based): chr1:146,020,224, T deleted on the plus strand (A on the coding strand, the reverse complement: HJV is on the minus strand). VCF-style (leftmost placement, unchanged base first): chr1-146020223-CT-C. GRCh37 (hg19) VCF-style: chr1-145414788-GA-G.
Other names: c.-148del (NM_001316767.2); c.8del, p.Glu3fs (NM_001379352.1); c.-22+1363del (NM_213652.4); c.-58-490del (NM_202004.4); c.-242-490del (NM_145277.5); short protein forms E3fs.
Identifiers: ClinVar variation 2126171 (VCV002126171.4), dbSNP rs782025333, ClinGen allele CA1053721.